The following is an entry in ClinVar:

ClinVar aggregate classification (germline): Pathogenic (1 of 4 stars; one submission).

Submission:

ARUP Laboratories, Molecular Genetics and Genomics, ARUP Laboratories
Classification: Pathogenic. Last evaluated: 2019-02-09. Review status: criteria provided, single submitter. Criteria: ARUP Molecular Germline Variant Investigation Process. Collection method: clinical testing. Allele origin: germline.
Comment: The NF1 c.7040delG; p.Ser2347fs variant, to our knowledge, is not described in the medical literature or in gene-specific databases. It is also absent from general population databases (Exome Variant Server and Genome Aggregation Database), indicating it is not a common polymorphism. This variant causes a frameshift by deleting a single nucleotide, so it is predicted to result in a truncated protein or mRNA subject to nonsense-mediated decay. Additionally, several downstream truncating variants have been described in individuals and families affected with neurofibromatosis type 1 (Fahsold 2000, Sabbagh 2013). Based on available information, p.Ser2347fs is considered pathogenic. REFERENCES Fahsold R et al. Minor lesion mutational spectrum of the entire NF1 gene does not explain its high mutability but points to a functional domain upstream of the GAP-related domain. Am J Hum Genet. 2000 Mar;66(3):790-818. Sabbagh A et al. NF1 molecular characterization and neurofibromatosis type I genotype-phenotype correlation: the French experience. Hum Mutat. 2013 Nov;34(11):1510-8.

NM_001042492.3(NF1):c.7040del (p.Ser2347fs)

Gene: NF1 (neurofibromin 1; plus strand). Cytogenetic location: 17q11.2.
Variant type: Deletion.
Coding change: c.7040del on transcript NM_001042492.3 (MANE Select); coding-DNA position 7040, one base deleted (G; older notation c.7040delG).
Protein change: p.Ser2347fs; shifts the reading frame from serine 2347.
Molecular consequence: frameshift variant.
Genome position (GRCh38, 1-based): chr17:31,340,623, G deleted. VCF-style (leftmost placement, unchanged base first): chr17-31340622-AG-A. GRCh37 (hg19) VCF-style: chr17-29667640-AG-A.
Other names: c.6977delG, p.Ser2326Ilefs (NM_000267.4); short protein forms S2326fs, S2347fs.
Identifiers: ClinVar variation 811904 (VCV000811904.8), dbSNP rs1597848220, ClinGen allele CA915949788.